The following is an entry in ClinVar:

NM_001079858.3(ADGRG2):c.1969C>T (p.Arg657Trp)

Gene: ADGRG2 (adhesion G protein-coupled receptor G2; minus strand). Cytogenetic location: Xp22.13.
Variant type: single nucleotide variant.
Coding change: c.1969C>T on transcript NM_001079858.3 (MANE Select); coding-DNA position 1969, C replaced by T.
Protein change: p.Arg657Trp; replaces arginine 657 with tryptophan.
Molecular consequence: missense variant.
Genome position (GRCh38, 1-based): chrX:19,003,107, G>A on the plus strand (C>T on the coding strand, the complement: ADGRG2 is on the minus strand). VCF-style: chrX-19003107-G-A. GRCh37 (hg19) VCF-style: chrX-19021225-G-A.
Other names: c.1927C>T, p.Arg643Trp (NM_001079859.3); c.1903C>T, p.Arg635Trp (NM_001079860.3); c.1921C>T, p.Arg641Trp (NM_001184833.2); c.1969C>T, p.Arg657Trp (NM_001184834.2); c.1855C>T, p.Arg619Trp (NM_001184835.2); c.1897C>T, p.Arg633Trp (NM_001184836.2); c.1879C>T, p.Arg627Trp (NM_001184837.2); c.1960C>T, p.Arg654Trp (NM_005756.4); short protein forms R619W, R627W, R633W, R635W, R641W, R643W, R654W, R657W.
Identifiers: ClinVar variation 3382191 (VCV003382191.2).
Genomic context (GRCh38, chrX:19,003,107, plus strand): 5'-GGTTCAGCAGAAGCAGAGCAGCACACAGCTGGATGAGGATTTTGGAAGGGTAATCCCTCC[G>A]GATCTTTCTAAAAGGAAAGGATGAGAACAAGAATGAGCATTCTACTCTGCCAACCCTCCA-3'
Protein context (NP_001073327.1, residues 647-667): LVTYIAFEKI[Arg657Trp]RDYPSKILIQ

ClinVar aggregate classification (germline): Uncertain significance (1 of 4 stars; one submission).

Conditions:
Vas deferens, congenital bilateral aplasia of, X-linked (CBAVDX). Also called: Congenital bilateral absence of vas deferens, X-linked. Identifiers: MedGen C4310815, MONDO:0010511, OMIM 300985.

gnomAD v4.1: 13 of 1,191,459 alleles (0.0011%); highest among the groups gnomAD compares: Admixed American, 0.0066%; no homozygotes.

Submission:

Juno Genomics, Hangzhou Juno Genomics, Inc
Classification: Uncertain significance for Vas deferens, congenital bilateral aplasia of, X-linked. Review status: criteria provided, single submitter. Criteria: ACMG Guidelines, 2015. Collection method: clinical testing. Allele origin: germline. Affected: yes.
Comment: Absent from controls (or at extremely low frequency if recessive) in Genome Aggregation Database, Exome Sequencing Project, 1000 Genomes Project, or Exome Aggregation Consortium.;Multiple lines of computational evidence support a deleterious effect on the gene or gene product (conservation, evolutionary, splicing impact, etc).